The following is an entry in ClinVar:

NM_000088.4(COL1A1):c.642+1G>T

Gene: COL1A1 (collagen type I alpha 1 chain; minus strand). Cytogenetic location: 17q21.33.
Variant type: single nucleotide variant.
Coding change: c.642+1G>T on transcript NM_000088.4 (MANE Select); the canonical splice donor site of the intron after coding-DNA position 642, G replaced by T.
Molecular consequence: splice donor variant.
Genome position (GRCh38, 1-based): chr17:50,197,948, C>A on the plus strand (G>T on the coding strand, the complement: COL1A1 is on the minus strand). VCF-style: chr17-50197948-C-A. GRCh37 (hg19) VCF-style: chr17-48275309-C-A.
Identifiers: ClinVar variation 3722889 (VCV003722889.2).

ClinVar aggregate classification (germline): Pathogenic (1 of 4 stars; one submission).

Conditions:
Osteogenesis imperfecta type I (OI1). Also called: OI, TYPE I; OSTEOGENESIS IMPERFECTA TARDA; OSTEOGENESIS IMPERFECTA WITH BLUE SCLERAE; Osteogenesis imperfecta type 1; Lobstein's Disease; Lobstein disease. Identifiers: Orphanet 216796, Orphanet 666, MedGen C0023931, MONDO:0008146, OMIM 166200. Disease mechanism: loss of function.

Submission:

Labcorp Genetics (formerly Invitae), Labcorp
Classification: Pathogenic for Osteogenesis imperfecta type I. Last evaluated: 2025-04-17. Review status: criteria provided, single submitter. Criteria: Invitae Variant Classification Sherloc (09022015). Collection method: clinical testing. Allele origin: germline.
Comment: This sequence change affects a donor splice site in intron 8 of the COL1A1 gene. It is expected to disrupt RNA splicing. Variants that disrupt the donor or acceptor splice site typically lead to a loss of protein function (PMID: 16199547), and loss-of-function variants in COL1A1 are known to be pathogenic (PMID: 7942841, 9295084, 9443882). This variant is not present in population databases (gnomAD no frequency). Disruption of this splice site has been observed in individuals with osteogenesis imperfecta (PMID: 10417276, 25963598, 26627451). This variant is also known as IVS8+1G>T. ClinVar contains an entry for this variant (Variation ID: 3722889). Studies have shown that disruption of this splice site is associated with altered splicing resulting in multiple RNA products (PMID: 10417276, 25963598). For these reasons, this variant has been classified as Pathogenic.

Literature cited by the submitters: PubMed 16199547; PubMed 7942841; PubMed 9295084; PubMed 9443882; PubMed 10417276; PubMed 25963598; PubMed 26627451.